The following is an entry in ClinVar:

ClinVar aggregate classification (germline): Uncertain significance. Review status: criteria provided, multiple submitters, no conflicts (2 of 4 stars). 2 submissions from 2 submitters: Uncertain significance (2). Last evaluated 2024-02-17.

Conditions:
Inborn genetic diseases. Identifiers: MedGen C0950123, MeSH D030342.

Allele frequency attached by ClinVar (database versions not stated): 1000 Genomes Project 30x 0.00031; 1000 Genomes Project 0.00040.
gnomAD v4.1: 17 of 1,614,140 alleles (0.0011%); highest among the groups gnomAD compares: African/African-American, 0.021%; no homozygotes.

Submissions (2):

Labcorp Genetics (formerly Invitae), Labcorp
Classification: Uncertain significance. Last evaluated: 2024-02-17. Review status: criteria provided, single submitter. Criteria: Invitae Variant Classification Sherloc (09022015). Collection method: clinical testing. Allele origin: germline.
Comment: This sequence change replaces glutamic acid, which is acidic and polar, with aspartic acid, which is acidic and polar, at codon 1229 of the LAMB1 protein (p.Glu1229Asp). This variant is present in population databases (rs141706415, gnomAD 0.03%). This variant has not been reported in the literature in individuals affected with LAMB1-related conditions. ClinVar contains an entry for this variant (Variation ID: 1392832). Algorithms developed to predict the effect of missense changes on protein structure and function output the following: SIFT: "Not Available"; PolyPhen-2: "Benign"; Align-GVGD: "Not Available". The aspartic acid amino acid residue is found in multiple mammalian species, which suggests that this missense change does not adversely affect protein function. In summary, the available evidence is currently insufficient to determine the role of this variant in disease. Therefore, it has been classified as a Variant of Uncertain Significance.

Ambry Genetics
Classification: Uncertain significance for Inborn genetic diseases. Last evaluated: 2024-01-16. Review status: criteria provided, single submitter. Criteria: Ambry Variant Classification Scheme 2023. Collection method: clinical testing. Allele origin: germline.

NM_002291.3(LAMB1):c.3687G>C (p.Glu1229Asp)

Gene: LAMB1 (laminin subunit beta 1; minus strand). Cytogenetic location: 7q31.1.
Variant type: single nucleotide variant.
Coding change: c.3687G>C on transcript NM_002291.3 (MANE Select); coding-DNA position 3687, G replaced by C.
Protein change: p.Glu1229Asp; replaces glutamic acid 1229 with aspartic acid.
Molecular consequence: missense variant.
Genome position (GRCh38, 1-based): chr7:107,940,063, C>G on the plus strand (G>C on the coding strand, the complement: LAMB1 is on the minus strand). VCF-style: chr7-107940063-C-G. GRCh37 (hg19) VCF-style: chr7-107580508-C-G.
Other names: c.3687G>C (NM_002291.2); short protein forms E1229D.
Identifiers: ClinVar variation 1392832 (VCV001392832.9), dbSNP rs141706415, ClinGen allele CA4435255.